The following is an entry in ClinVar:

NM_013276.4(SHPK):c.698C>T (p.Pro233Leu)

Gene: SHPK (sedoheptulokinase; minus strand). Cytogenetic location: 17p13.2.
Variant type: single nucleotide variant.
Coding change: c.698C>T on transcript NM_013276.4 (MANE Select); coding-DNA position 698, C replaced by T.
Protein change: p.Pro233Leu; replaces proline 233 with leucine.
Molecular consequence: missense variant.
Genome position (GRCh38, 1-based): chr17:3,621,362, G>A on the plus strand (C>T on the coding strand, the complement: SHPK is on the minus strand). VCF-style: chr17-3621362-G-A. GRCh37 (hg19) VCF-style: chr17-3524656-G-A.
Other names: short protein forms P233L.
Identifiers: ClinVar variation 2185336 (VCV002185336.4), dbSNP rs1352243632, ClinGen allele CA397700515.
Genomic context (GRCh38, chr17:3,621,362, plus strand): 5'-ACCTGCGTCCCCTTTGGGATTTCAAACCACATGTGGGAAGTTCTGCCCGCCACACTGCCA[G>A]GCTCGGCGATGTCTGGGAGCAGGTGGACAGGAAAACCCGAGCTCCTCAGTCTGTAAAACA-3'
Protein context (NP_037408.2, residues 223-243): PVHLLPDIAE[Pro233Leu]GSVAGRTSHM

ClinVar aggregate classification (germline): Uncertain significance (1 of 4 stars; one submission).

Allele frequency attached by ClinVar (database versions not stated): gnomAD exomes below 0.00001.
gnomAD v4.1: 5 of 1,614,170 alleles (0.00031%); highest among the groups gnomAD compares: Non-Finnish European, 0.00034%; no homozygotes.

Submission:

Labcorp Genetics (formerly Invitae), Labcorp
Classification: Uncertain significance. Last evaluated: 2025-05-15. Review status: criteria provided, single submitter. Criteria: Invitae Variant Classification Sherloc (09022015). Collection method: clinical testing. Allele origin: germline.
Comment: This sequence change replaces proline, which is neutral and non-polar, with leucine, which is neutral and non-polar, at codon 233 of the SHPK protein (p.Pro233Leu). This variant is present in population databases (no rsID available, gnomAD 0.0009%). This variant has not been reported in the literature in individuals affected with SHPK-related conditions. ClinVar contains an entry for this variant (Variation ID: 2185336). An algorithm developed to predict the effect of missense changes on protein structure and function (PolyPhen-2) suggests that this variant is likely to be disruptive. In summary, the available evidence is currently insufficient to determine the role of this variant in disease. Therefore, it has been classified as a Variant of Uncertain Significance.